The following is an entry in ClinVar:

NM_004168.4(SDHA):c.1466_1468del (p.Gly489del)

Gene: SDHA (succinate dehydrogenase complex flavoprotein subunit A; plus strand). Cytogenetic location: 5p15.33.
Variant type: Deletion.
Coding change: c.1466_1468del on transcript NM_004168.4 (MANE Select); coding-DNA positions 1466 to 1468, 3 bases deleted (GGG; older notation c.1466_1468delGGG).
Protein change: p.Gly489del; deletes glycine 489.
Molecular consequence: inframe deletion.
Genome position (GRCh38, 1-based): chr5:240,391-240,393, GGG deleted; deleting any 3 consecutive bases within chr5:240,390-240,393 gives the same sequence; the c. name uses the placement nearest the transcript's 3' end. VCF-style (leftmost placement, unchanged base first): chr5-240389-TGGG-T. GRCh37 (hg19) VCF-style: chr5-240504-TGGG-T.
Other names: c.1322_1324del, p.Gly441del (NM_001294332.2); c.1466_1468del, p.Gly489del (NM_001330758.2); short protein forms G441del, G489del.
Identifiers: ClinVar variation 2122373 (VCV002122373.4), dbSNP rs2477397675, ClinGen allele CA2580073089.

ClinVar aggregate classification (germline): Uncertain significance (1 of 4 stars; one submission).

Conditions:
Mitochondrial complex II deficiency, nuclear type 1. Also called: SUCCINATE CoQ REDUCTASE DEFICIENCY. Identifiers: Orphanet 3208, MedGen C5700310, MONDO:0100294, OMIM 252011.
Pheochromocytoma/paraganglioma syndrome 5. Also called: Paragangliomas 5; SDHA-Related Hereditary Paraganglioma-Pheochromocytoma Syndrome. Identifiers: Orphanet 29072, MedGen C3279992, MONDO:0013602, OMIM 614165.

Submission:

Labcorp Genetics (formerly Invitae), Labcorp
Classification: Uncertain significance for Pheochromocytoma/paraganglioma syndrome 5; Mitochondrial complex II deficiency, nuclear type 1. Last evaluated: 2022-08-11. Review status: criteria provided, single submitter. Criteria: Invitae Variant Classification Sherloc (09022015). Collection method: clinical testing. Allele origin: germline.
Comment: This variant is not present in population databases (gnomAD no frequency). This variant, c.1466_1468del, results in the deletion of 1 amino acid(s) of the SDHA protein (p.Gly489del), but otherwise preserves the integrity of the reading frame. This variant has not been reported in the literature in individuals affected with SDHA-related conditions. In summary, the available evidence is currently insufficient to determine the role of this variant in disease. Therefore, it has been classified as a Variant of Uncertain Significance. Experimental studies and prediction algorithms are not available or were not evaluated, and the functional significance of this variant is currently unknown.